The following is an entry in ClinVar:

NM_198999.3(SLC26A5):c.293G>C (p.Gly98Ala)

Gene: SLC26A5 (solute carrier family 26 member 5; minus strand). Cytogenetic location: 7q22.1.
Variant type: single nucleotide variant.
Coding change: c.293G>C on transcript NM_198999.3 (MANE Select); coding-DNA position 293, G replaced by C.
Protein change: p.Gly98Ala; replaces glycine 98 with alanine.
Molecular consequence: missense variant. On other transcripts: non-coding transcript variant (5).
Genome position (GRCh38, 1-based): chr7:103,413,112, C>G on the plus strand (G>C on the coding strand, the complement: SLC26A5 is on the minus strand). VCF-style: chr7-103413112-C-G. GRCh37 (hg19) VCF-style: chr7-103053559-C-G.
Other names: c.293G>C (NM_198999.2); c.293G>C, p.Gly98Ala (NM_001167962.2, NM_001321787.2, NM_206883.3 and 2 more transcripts); short protein forms G98A.
Identifiers: ClinVar variation 1967480 (VCV001967480.6), dbSNP rs187694846, ClinGen allele CA368767647.

ClinVar aggregate classification (germline): Conflicting classifications of pathogenicity. Review status: criteria provided, conflicting classifications (1 of 4 stars). 2 submissions from 2 submitters: Likely pathogenic (1); Uncertain significance (1). Last evaluated 2026-07-15.

Conditions:
SLC26A5-related disorder. Also called: SLC26A5-related condition.

gnomAD v4.1: 8 of 1,609,168 alleles (0.0005%); highest among the groups gnomAD compares: South Asian, 0.0011%; no homozygotes.

Submissions (2):

PreventionGenetics, part of Exact Sciences
Classification: Uncertain significance for SLC26A5-related condition. Last evaluated: 2026-07-15. Review status: criteria provided, single submitter. Criteria: ACMG Guidelines, 2015. Collection method: clinical testing. Allele origin: germline.
Comment: The SLC26A5 c.293G>C variant is predicted to result in the amino acid substitution p.Gly98Ala. To our knowledge, this variant has not been reported in the literature or in a large population database (gnomAD), indicating this variant is rare. At this time, the clinical significance of this variant is uncertain due to the absence of conclusive functional and genetic evidence.

Labcorp Genetics (formerly Invitae), Labcorp
Classification: Likely pathogenic. Last evaluated: 2022-07-11. Review status: criteria provided, single submitter. Criteria: Invitae Variant Classification Sherloc (09022015). Collection method: clinical testing. Allele origin: germline.
Comment: Algorithms developed to predict the effect of missense changes on protein structure and function (SIFT, PolyPhen-2, Align-GVGD) all suggest that this variant is likely to be disruptive. This sequence change replaces glycine, which is neutral and non-polar, with alanine, which is neutral and non-polar, at codon 98 of the SLC26A5 protein (p.Gly98Ala). This variant is not present in population databases (gnomAD no frequency). This missense change has been observed in individual(s) with deafness (Invitae). In at least one individual the data is consistent with being in trans (on the opposite chromosome) from a pathogenic variant. It has also been observed to segregate with disease in related individuals. Algorithms developed to predict the effect of sequence changes on RNA splicing suggest that this variant may disrupt the consensus splice site. In summary, the currently available evidence indicates that the variant is pathogenic, but additional data are needed to prove that conclusively. Therefore, this variant has been classified as Likely Pathogenic.